The following is an entry in ClinVar:

NM_001127222.2(CACNA1A):c.2461C>T (p.Arg821Trp)

Gene: CACNA1A (calcium voltage-gated channel subunit alpha1 A; minus strand). Cytogenetic location: 19p13.13.
Variant type: single nucleotide variant.
Coding change: c.2461C>T on transcript NM_001127222.2 (MANE Select); coding-DNA position 2461, C replaced by T.
Protein change: p.Arg821Trp; replaces arginine 821 with tryptophan.
Molecular consequence: missense variant.
Genome position (GRCh38, 1-based): chr19:13,299,172, G>A on the plus strand (C>T on the coding strand, the complement: CACNA1A is on the minus strand). VCF-style: chr19-13299172-G-A. GRCh37 (hg19) VCF-style: chr19-13409986-G-A.
Other names: c.2473C>T, p.Arg825Trp (NM_000068.4, NM_023035.3); c.2464C>T, p.Arg822Trp (NM_001127221.2, NM_001174080.2); short protein forms R821W, R822W, R825W.
Identifiers: ClinVar variation 3754164 (VCV003754164.2).
Genomic context (GRCh38, chr19:13,299,172, plus strand): 5'-CCGCCCGGCTCTTGTTGGTGTTGTTGTTGCGGTTCTCCTGCGGGTCCACCACCAGCGGCC[G>A]GTCCAAGTGCGTCTTCATGTCTGGCCGCAGGTGCCGCGTGTAGGCAGCCTTCCAGCGCTC-3'
Protein context (NP_001120694.1, residues 811-831): LRPDMKTHLD[Arg821Trp]PLVVDPQENR

ClinVar aggregate classification (germline): Uncertain significance (1 of 4 stars; one submission).

Conditions:
Episodic ataxia type 2 (EA2). Also called: ATAXIA, EPISODIC, WITH NYSTAGMUS; ATAXIA, FAMILIAL PAROXYSMAL; ACETAZOLAMIDE-RESPONSIVE HEREDITARY PAROXYSMAL CEREBELLAR ATAXIA; CEREBELLAR ATAXIA, PAROXYSMAL, ACETAZOLAMIDE-RESPONSIVE; CEREBELLOPATHY, HEREDITARY PAROXYSMAL; EPISODIC ATAXIA, NYSTAGMUS-ASSOCIATED. Identifiers: Orphanet 97, MedGen C1720416, MONDO:0007163, OMIM 108500.
Developmental and epileptic encephalopathy, 42 (DEE42A). Also called: Epileptic encephalopathy, early infantile, 42; DEVELOPMENTAL AND EPILEPTIC ENCEPHALOPATHY 42A; EPILEPTIC ENCEPHALOPATHY, EARLY INFANTILE, 42A. Identifiers: MedGen C4310716, MONDO:0014917, OMIM 617106.

gnomAD v4.1: 1 of 1,613,048 alleles (0.000062%); highest among the groups gnomAD compares: Non-Finnish European, 0.000085%; no homozygotes.

Submission:

Labcorp Genetics (formerly Invitae), Labcorp
Classification: Uncertain significance for Developmental and epileptic encephalopathy, 42; Episodic ataxia type 2. Last evaluated: 2024-12-28. Review status: criteria provided, single submitter. Criteria: Invitae Variant Classification Sherloc (09022015). Collection method: clinical testing. Allele origin: germline.
Comment: This sequence change replaces arginine, which is basic and polar, with tryptophan, which is neutral and slightly polar, at codon 822 of the CACNA1A protein (p.Arg822Trp). This variant is not present in population databases (gnomAD no frequency). This variant has not been reported in the literature in individuals affected with CACNA1A-related conditions. Invitae Evidence Modeling of protein sequence and biophysical properties (such as structural, functional, and spatial information, amino acid conservation, physicochemical variation, residue mobility, and thermodynamic stability) indicates that this missense variant is not expected to disrupt CACNA1A protein function with a negative predictive value of 95%. In summary, the available evidence is currently insufficient to determine the role of this variant in disease. Therefore, it has been classified as a Variant of Uncertain Significance.